The following is an entry in ClinVar:

ClinVar aggregate classification (germline): Uncertain significance (1 of 4 stars; one submission).

gnomAD v4.1: 1 of 1,613,570 alleles (0.000062%); highest among the groups gnomAD compares: Non-Finnish European, 0.000085%; no homozygotes.

Submission:

GeneDx
Classification: Uncertain significance. Last evaluated: 2024-01-23. Review status: criteria provided, single submitter. Criteria: GeneDx Variant Classification Process June 2021. Collection method: clinical testing. Allele origin: germline. Affected: yes.
Comment: Not observed at significant frequency in large population cohorts (gnomAD); In silico analysis supports that this missense variant does not alter protein structure/function; Has not been previously published as pathogenic or benign to our knowledge

NM_001297595.2(SIN3B):c.2027C>T (p.Ala676Val)

Gene: SIN3B (SIN3 transcription regulator family member B; plus strand). Cytogenetic location: 19p13.11.
Variant type: single nucleotide variant.
Coding change: c.2027C>T on transcript NM_001297595.2 (MANE Select); coding-DNA position 2027, C replaced by T.
Protein change: p.Ala676Val; replaces alanine 676 with valine.
Molecular consequence: missense variant.
Genome position (GRCh38, 1-based): chr19:16,869,680, C>T. VCF-style: chr19-16869680-C-T. GRCh37 (hg19) VCF-style: chr19-16980491-C-T.
Other names: c.797C>T, p.Ala266Val (NM_001297597.2); c.2123C>T, p.Ala708Val (NM_015260.4); short protein forms A266V, A676V, A708V.
Identifiers: ClinVar variation 3368129 (VCV003368129.1).